The following is an entry in ClinVar:

NM_001481.3(DRC4):c.632T>C (p.Val211Ala)

Gene: DRC4 (dynein regulatory complex subunit 4; plus strand). Cytogenetic location: 16q24.3.
Variant type: single nucleotide variant.
Coding change: c.632T>C on transcript NM_001481.3 (MANE Select); coding-DNA position 632, T replaced by C.
Protein change: p.Val211Ala; replaces valine 211 with alanine.
Molecular consequence: missense variant.
Genome position (GRCh38, 1-based): chr16:90,036,462, T>C. VCF-style: chr16-90036462-T-C. GRCh37 (hg19) VCF-style: chr16-90102870-T-C.
Other names: c.383T>C, p.Val128Ala (NM_001286205.2); c.56T>C, p.Val19Ala (NM_001286208.2); c.557T>C, p.Val186Ala (NM_001286209.2); short protein forms V211A, V128A, V186A, V19A.
Identifiers: ClinVar variation 1430005 (VCV001430005.6), dbSNP rs764705666, ClinGen allele CA8257903.

ClinVar aggregate classification (germline): Uncertain significance (1 of 4 stars; one submission).

Conditions:
Primary ciliary dyskinesia 33. Also called: CILIARY DYSKINESIA, PRIMARY, 33, WITHOUT SITUS INVERSUS. Identifiers: Orphanet 244, MedGen C4225230, MONDO:0014750, OMIM 616726.

Allele frequency attached by ClinVar (database versions not stated): ExAC 0.00002; gnomAD 0.00002; gnomAD exomes 0.00003 and 0.00002; TOPMed 0.00001.
gnomAD v4.1: 47 of 1,613,948 alleles (0.0029%); highest among the groups gnomAD compares: Middle Eastern, 0.016%; no homozygotes.

Submission:

Labcorp Genetics (formerly Invitae), Labcorp
Classification: Uncertain significance for Primary ciliary dyskinesia 33. Last evaluated: 2025-09-05. Review status: criteria provided, single submitter. Criteria: Invitae Variant Classification Sherloc (09022015). Collection method: clinical testing. Allele origin: germline.
Comment: This sequence change replaces valine, which is neutral and non-polar, with alanine, which is neutral and non-polar, at codon 211 of the GAS8 protein (p.Val211Ala). This variant is present in population databases (rs764705666, gnomAD 0.006%). This variant has not been reported in the literature in individuals affected with GAS8-related conditions. ClinVar contains an entry for this variant (Variation ID: 1430005). Invitae Evidence Modeling of protein sequence and biophysical properties (such as structural, functional, and spatial information, amino acid conservation, physicochemical variation, residue mobility, and thermodynamic stability) indicates that this missense variant is not expected to disrupt GAS8 protein function with a negative predictive value of 80%. In summary, the available evidence is currently insufficient to determine the role of this variant in disease. Therefore, it has been classified as a Variant of Uncertain Significance.